The following is an entry in ClinVar:

NM_018055.5(NODAL):c.778G>C (p.Gly260Arg)

Gene: NODAL (nodal growth differentiation factor; minus strand). Cytogenetic location: 10q22.1.
Variant type: single nucleotide variant.
Coding change: c.778G>C on transcript NM_018055.5 (MANE Select); coding-DNA position 778, G replaced by C.
Protein change: p.Gly260Arg; replaces glycine 260 with arginine.
Molecular consequence: missense variant.
Genome position (GRCh38, 1-based): chr10:70,435,399, C>G on the plus strand (G>C on the coding strand, the complement: NODAL is on the minus strand). VCF-style: chr10-70435399-C-G. GRCh37 (hg19) VCF-style: chr10-72195155-C-G.
Other names: c.379G>C, p.Gly127Arg (NM_001329906.2); short protein forms G127R, G260R.
Identifiers: ClinVar variation 1315316 (VCV001315316.2), dbSNP rs121909283, ClinGen allele CA376945400.

ClinVar aggregate classification (germline): Uncertain significance (1 of 4 stars; one submission).

Submission:

GeneDx
Classification: Uncertain significance. Last evaluated: 2021-09-24. Review status: criteria provided, single submitter. Criteria: GeneDx Variant Classification Process June 2021. Collection method: clinical testing. Allele origin: germline. Affected: yes.
Comment: Not observed in large population cohorts (Lek et al., 2016); In silico analysis supports that this missense variant has a deleterious effect on protein structure/function; Has not been previously published as pathogenic or benign to our knowledge; Same amino acid substitution caused by a different nucleotide change (c.778G>A) has been reported in the published literature in association with cardiac abnormalities and abdominal situs inversus (Mohapatra et al., 2009; Hagen et al., 2016; Clark et al., 2019)